The following is an entry in ClinVar:

ClinVar aggregate classification (germline): Uncertain significance (1 of 4 stars; one submission).

Conditions:
Kabuki syndrome. Also called: NIIKAWA-KUROKI SYNDROME; Kabuki make-up syndrome. Identifiers: Orphanet 2322, MedGen C0796004, MONDO:0016512.

Submission:

Labcorp Genetics (formerly Invitae), Labcorp
Classification: Uncertain significance for Kabuki syndrome. Last evaluated: 2026-01-11. Review status: criteria provided, single submitter. Criteria: Invitae Variant Classification Sherloc (09022015). Collection method: clinical testing. Allele origin: germline.
Comment: This variant, c.1345_1371del, results in the deletion of 9 amino acid(s) of the KMT2D protein (p.Leu449_Pro457del), but otherwise preserves the integrity of the reading frame. This variant is not present in population databases (gnomAD no frequency). This variant has not been reported in the literature in individuals affected with KMT2D-related conditions. Experimental studies and prediction algorithms are not available or were not evaluated, and the functional significance of this variant is currently unknown. In summary, the available evidence is currently insufficient to determine the role of this variant in disease. Therefore, it has been classified as a Variant of Uncertain Significance.

NM_003482.4(KMT2D):c.1345_1371del (p.Leu449_Pro457del)

Gene: KMT2D (lysine methyltransferase 2D; minus strand). Cytogenetic location: 12q13.12.
Variant type: Deletion.
Coding change: c.1345_1371del on transcript NM_003482.4 (MANE Select); coding-DNA positions 1345 to 1371, 27 bases deleted (CTGTCCCCACCACCTGAGGAATCACCC).
Protein change: p.Leu449_Pro457del.
Molecular consequence: inframe deletion.
Genome position (GRCh38, 1-based): chr12:49,052,312-49,052,338, GGGTGATTCCTCAGGTGGTGGGGACAG deleted on the plus strand (CTGTCCCCACCACCTGAGGAATCACCC on the coding strand, the reverse complement: KMT2D is on the minus strand); deleting any 27 consecutive bases within chr12:49,052,312-49,052,344 gives the same sequence; the c. name uses the placement nearest the transcript's 3' end. VCF-style (leftmost placement, unchanged base first): chr12-49052311-TGGGTGATTCCTCAGGTGGTGGGGACAG-T. GRCh37 (hg19) VCF-style: chr12-49446094-TGGGTGATTCCTCAGGTGGTGGGGACAG-T.
Identifiers: ClinVar variation 4748125 (VCV004748125.1).